The following is an entry in ClinVar:

NM_024109.4(METTL22):c.1180-120_1180-81dup

Gene: METTL22 (methyltransferase 22, Kin17 lysine; plus strand). Cytogenetic location: 16p13.2.
Variant type: Duplication.
Coding change: c.1180-120_1180-81dup on transcript NM_024109.4 (MANE Select); 120 bases into the intron before coding-DNA position 1180 through 81 bases into the intron before coding-DNA position 1180, 40 bases duplicated.
Molecular consequence: intron variant.
Genome position (GRCh38, 1-based): chr16:8,645,988-8,646,027, 40 bases duplicated; duplicating any 40 consecutive bases within chr16:8,645,987-8,646,027 gives the same sequence; the c. name uses the placement nearest the transcript's 3' end. GRCh37 (hg19): chr16:8,739,845-8,739,884.
Identifiers: ClinVar variation 2646181 (VCV002646181.24), dbSNP rs1555477213, ClinGen allele CA725315347.

ClinVar aggregate classification (germline): Likely benign (1 of 4 stars; one submission).

Submission:

CeGaT Center for Human Genetics Tuebingen
Classification: Likely benign. Last evaluated: 2023-02-01. Review status: criteria provided, single submitter. Criteria: CeGaT Center For Human Genetics Tuebingen Variant Classification Criteria Version 2. Collection method: clinical testing. Allele origin: germline. Affected: yes. Observed: 2 variant alleles.
Comment: METTL22: BS2